The following is an entry in ClinVar:

ClinVar aggregate classification (germline): Uncertain significance. Review status: criteria provided, multiple submitters, no conflicts (2 of 4 stars). 2 submissions from 2 submitters: Uncertain significance (2). Last evaluated 2025-06-19.

Conditions:
Hereditary cancer-predisposing syndrome. Also called: Hereditary neoplastic syndrome; Hereditary Cancer Syndrome; Tumor predisposition; Neoplastic Syndromes, Hereditary. Identifiers: Orphanet 140162, MedGen C0027672, MeSH D009386, MONDO:0015356.
Medulloblastoma (MDB). Also called: Medulloblastoma, somatic; MEDULLOBLASTOMA PREDISPOSITION SYNDROME. Identifiers: Orphanet 616, MedGen C0025149, MeSH D008527, MONDO:0007959, OMIM 155255, HP:0002885.
Gorlin syndrome. Also called: Nevoid Basal Cell Carcinoma Syndrome; Basal cell nevus syndrome. Identifiers: Orphanet 377, MedGen C0004779, MONDO:0007187.

Submissions (2):

Ambry Genetics
Classification: Uncertain significance for Hereditary cancer-predisposing syndrome. Last evaluated: 2025-06-19. Review status: criteria provided, single submitter. Criteria: Ambry Variant Classification Scheme 2023. Collection method: clinical testing. Allele origin: germline.
Comment: The p.F155C variant (also known as c.464T>G), located in coding exon 4 of the SUFU gene, results from a T to G substitution at nucleotide position 464. The phenylalanine at codon 155 is replaced by cysteine, an amino acid with highly dissimilar properties. This amino acid position is conserved. In addition, this alteration is predicted to be deleterious by in silico analysis. Since supporting evidence is limited at this time, the clinical significance of this alteration remains unclear.

Labcorp Genetics (formerly Invitae), Labcorp
Classification: Uncertain significance for Gorlin syndrome; Medulloblastoma. Last evaluated: 2019-10-31. Review status: criteria provided, single submitter. Criteria: Invitae Variant Classification Sherloc (09022015). Collection method: clinical testing. Allele origin: germline.
Comment: Algorithms developed to predict the effect of missense changes on protein structure and function (SIFT, PolyPhen-2, Align-GVGD) all suggest that this variant is likely to be disruptive, but these predictions have not been confirmed by published functional studies and their clinical significance is uncertain. In summary, the available evidence is currently insufficient to determine the role of this variant in disease. Therefore, it has been classified as a Variant of Uncertain Significance. This variant has not been reported in the literature in individuals with SUFU-related conditions. This sequence change replaces phenylalanine with cysteine at codon 155 of the SUFU protein (p.Phe155Cys). The phenylalanine residue is highly conserved and there is a large physicochemical difference between phenylalanine and cysteine. This variant is not present in population databases (ExAC no frequency).

NM_016169.4(SUFU):c.464T>G (p.Phe155Cys)

Gene: SUFU (SUFU negative regulator of hedgehog signaling; plus strand). Cytogenetic location: 10q24.32.
Variant type: single nucleotide variant.
Coding change: c.464T>G on transcript NM_016169.4 (MANE Select); coding-DNA position 464, T replaced by G.
Protein change: p.Phe155Cys; replaces phenylalanine 155 with cysteine.
Molecular consequence: missense variant.
Genome position (GRCh38, 1-based): chr10:102,592,591, T>G. VCF-style: chr10-102592591-T-G. GRCh37 (hg19) VCF-style: chr10-104352348-T-G.
Other names: c.464T>G, p.Phe155Cys (NM_001178133.2); short protein forms F155C.
Identifiers: ClinVar variation 965186 (VCV000965186.13), dbSNP rs2063414949, ClinGen allele CA377908052.